The following is an entry in ClinVar:

NM_005633.4(SOS1):c.1633C>A (p.Gln545Lys)

Gene: SOS1 (SOS Ras/Rac guanine nucleotide exchange factor 1; minus strand). Cytogenetic location: 2p22.1.
Variant type: single nucleotide variant.
Coding change: c.1633C>A on transcript NM_005633.4 (MANE Select); coding-DNA position 1633, C replaced by A.
Protein change: p.Gln545Lys; replaces glutamine 545 with lysine.
Molecular consequence: missense variant.
Genome position (GRCh38, 1-based): chr2:39,022,795, G>T on the plus strand (C>A on the coding strand, the complement: SOS1 is on the minus strand). VCF-style: chr2-39022795-G-T. GRCh37 (hg19) VCF-style: chr2-39249936-G-T.
Other names: c.1612C>A, p.Gln538Lys (NM_001382394.1); c.1633C>A, p.Gln545Lys (NM_001382395.1); short protein forms Q538K, Q545K.
Identifiers: ClinVar variation 4857679 (VCV004857679.1).

ClinVar aggregate classification (germline): VUS-low (1 of 4 stars; one submission).

Conditions:
Noonan syndrome 4 (NS4). Also called: SOS1-Related Noonan Syndrome; NOONAN SYNDROME WITH PIGMENTED VILLONODULAR SYNOVITIS. Identifiers: Orphanet 648, MedGen C1853120, MONDO:0012547, OMIM 610733.

Submission:

Laboratorio de Biologia Molecular - Genetica, Hospital de Pediatria Garrahan
Classification: VUS-low for Noonan syndrome 4. Last evaluated: 2026-06-18. Review status: criteria provided, single submitter. Criteria: Wilcox et al. (Genet Med Open. 2025). Collection method: clinical testing. Allele origin: unknown. Inheritance: Autosomal dominant inheritance. Affected: yes. Observed: 1 variant allele, 1 heterozygote.
Comment: The variant is absent in gnomAD. It has not been reported in patients with Noonan syndorme so far. Revel score: 0.48. The variant is classified as a variant of uncertain significance.